The following is an entry in ClinVar:

ClinVar aggregate classification (germline): Uncertain significance (1 of 4 stars; one submission).

Allele frequency attached by ClinVar (database versions not stated): TOPMed 0.00001; gnomAD exomes 0.00002.
gnomAD v4.1: 31 of 1,613,626 alleles (0.0019%); highest among the groups gnomAD compares: East Asian, 0.0089%; no homozygotes.

Submission:

Labcorp Genetics (formerly Invitae), Labcorp
Classification: Uncertain significance. Last evaluated: 2023-08-05. Review status: criteria provided, single submitter. Criteria: Invitae Variant Classification Sherloc (09022015). Collection method: clinical testing. Allele origin: germline.
Comment: This sequence change replaces arginine, which is basic and polar, with glutamine, which is neutral and polar, at codon 1128 of the CYFIP2 protein (p.Arg1128Gln). This variant is present in population databases (rs768520032, gnomAD 0.007%). This variant has not been reported in the literature in individuals affected with CYFIP2-related conditions. Experimental studies and prediction algorithms are not available or were not evaluated, and the functional significance of this variant is currently unknown. In summary, the available evidence is currently insufficient to determine the role of this variant in disease. Therefore, it has been classified as a Variant of Uncertain Significance.

NM_001037333.3(CYFIP2):c.3383G>A (p.Arg1128Gln)

Genes: CYFIP2 (cytoplasmic FMR1 interacting protein 2; plus strand), NIPAL4-DT (NIPAL4 divergent transcript; minus strand). Cytogenetic location: 5q33.3.
Variant type: single nucleotide variant.
Coding change: c.3383G>A on transcript NM_001037333.3 (MANE Select); coding-DNA position 3383, G replaced by A.
Protein change: p.Arg1128Gln; replaces arginine 1128 with glutamine.
Molecular consequence: missense variant.
Genome position (GRCh38, 1-based): chr5:157,389,364, G>A. VCF-style: chr5-157389364-G-A. GRCh37 (hg19) VCF-style: chr5-156816372-G-A.
Other names: c.3305G>A, p.Arg1102Gln (NM_001291721.2); c.3458G>A, p.Arg1153Gln (NM_001291722.2); c.3383G>A, p.Arg1128Gln (NM_014376.4); short protein forms R1153Q, R1102Q, R1128Q.
Identifiers: ClinVar variation 2987913 (VCV002987913.3), dbSNP rs768520032, ClinGen allele CA3534350.